The following is an entry in ClinVar:

NM_005045.4(RELN):c.1763+5_1763+6delinsTT

Gene: RELN (reelin; minus strand). Cytogenetic location: 7q22.1.
Variant type: Indel.
Coding change: c.1763+5_1763+6delinsTT on transcript NM_005045.4 (MANE Select); bases 5 to 6 of the intron after coding-DNA position 1763, GA replaced by TT.
Molecular consequence: intron variant.
Genome position (GRCh38, 1-based): chr7:103,652,545-103,652,546, TC replaced by AA on the plus strand (GA replaced by TT on the coding strand, the reverse complement: RELN is on the minus strand). VCF-style: chr7-103652545-TC-AA. GRCh37 (hg19) VCF-style: chr7-103292992-TC-AA.
Other names: c.1763+5_1763+6delinsTT (NM_173054.3).
Identifiers: ClinVar variation 1063822 (VCV001063822.7), dbSNP rs2117391274, ClinGen allele CA2499218623.

ClinVar aggregate classification (germline): Uncertain significance (1 of 4 stars; one submission).

Conditions:
Norman-Roberts syndrome (LIS2). Also called: Lissencephaly 2 (Norman-Roberts type). Identifiers: Orphanet 89844, MedGen C0796089, MONDO:0009760, OMIM 257320.
Familial temporal lobe epilepsy 7. Identifiers: Orphanet 101046, MedGen C4225327, MONDO:0014639, OMIM 616436.

Submission:

Labcorp Genetics (formerly Invitae), Labcorp
Classification: Uncertain significance for Familial temporal lobe epilepsy 7; Norman-Roberts syndrome. Last evaluated: 2020-10-23. Review status: criteria provided, single submitter. Criteria: Invitae Variant Classification Sherloc (09022015). Collection method: clinical testing. Allele origin: germline.
Comment: In summary, the available evidence is currently insufficient to determine the role of this variant in disease. Therefore, it has been classified as a Variant of Uncertain Significance. Nucleotide substitutions within the consensus splice site are a relatively common cause of aberrant splicing (PMID: 17576681, 9536098). Algorithms developed to predict the effect of sequence changes on RNA splicing suggest that this variant may disrupt the consensus splice site, but this prediction has not been confirmed by published transcriptional studies. This variant has not been reported in the literature in individuals with RELN-related conditions. The frequency data for this variant in the population databases is not available, as this variant may be reported as separate entries in the ExAC database. This sequence change falls in intron 14 of the RELN gene. It does not directly change the encoded amino acid sequence of the RELN protein. It affects a nucleotide within the consensus splice site of the intron.

Literature cited by the submitters: PubMed 17576681; PubMed 9536098.